The following is an entry in ClinVar:

ClinVar aggregate classification (germline): Conflicting classifications of pathogenicity. Review status: criteria provided, conflicting classifications (1 of 4 stars). 3 submissions from 3 submitters: Likely pathogenic (1); Uncertain significance (2). Last evaluated 2025-10-25.

Conditions:
Cardiovascular phenotype. Identifiers: MedGen CN230736.
Long QT syndrome (LQTS). Identifiers: MedGen C0023976, MeSH D008133, MONDO:0002442. Disease mechanism: loss of function. Inheritance: Various modes of inheritance.

Allele frequency attached by ClinVar (database versions not stated): gnomAD exomes below 0.00001.
gnomAD v4.1: 1 of 1,614,156 alleles (0.000062%); highest among the groups gnomAD compares: Non-Finnish European, 0.000085%; no homozygotes.

Submissions (3):

Labcorp Genetics (formerly Invitae), Labcorp
Classification: Uncertain significance for Long QT syndrome. Last evaluated: 2025-10-25. Review status: criteria provided, single submitter. Criteria: Invitae Variant Classification Sherloc (09022015). Collection method: clinical testing. Allele origin: germline.
Comment: This sequence change replaces lysine, which is basic and polar, with glutamic acid, which is acidic and polar, at codon 1211 of the CACNA1C protein (p.Lys1211Glu). This variant is not present in population databases (gnomAD no frequency). This variant has not been reported in the literature in individuals affected with CACNA1C-related conditions. ClinVar contains an entry for this variant (Variation ID: 190661). Invitae Evidence Modeling of protein sequence and biophysical properties (such as structural, functional, and spatial information, amino acid conservation, physicochemical variation, residue mobility, and thermodynamic stability) indicates that this missense variant is expected to disrupt CACNA1C protein function with a positive predictive value of 95%. In summary, the available evidence is currently insufficient to determine the role of this variant in disease. Therefore, it has been classified as a Variant of Uncertain Significance.

Ambry Genetics
Classification: Likely pathogenic for Cardiovascular phenotype. Last evaluated: 2023-07-31. Review status: criteria provided, single submitter. Criteria: Ambry Variant Classification Scheme 2023. Collection method: clinical testing. Allele origin: germline.
Comment: The p.K1211E variant (also known as c.3631A>G), located in coding exon 28 of the CACNA1C gene, results from an A to G substitution at nucleotide position 3631. The lysine at codon 1211 is replaced by glutamic acid, an amino acid with similar properties. This variant is considered to be rare based on population cohorts in the Genome Aggregation Database (gnomAD). This missense alteration is located in a region that has a low rate of benign missense variation (Lek M et al. Nature. 2016 Aug 18;536(7616):285-91; DECIPHER: Database of Chromosomal Imbalance and Phenotype in Humans using Ensembl Resources. Firth H.V. et al. 2009. Am.J.Hum.Genet. 84, 524-533 (DOI)). This amino acid position is well conserved in available vertebrate species. In addition, this alteration is predicted to be deleterious by in silico analysis. Based on the supporting evidence, this variant is expected to be causative of CACNA1C-related long QT syndrome/Timothy syndrome; however, its clinical significance for CACNA1C-related neurodevelopmental disorder is unclear.

GeneDx
Classification: Uncertain significance. Last evaluated: 2013-07-26. Review status: criteria provided, single submitter. Criteria: GeneDx Variant Classification (06012015). Collection method: clinical testing. Allele origin: germline. Affected: yes.
Comment: p.Lys1211Glu (AAA>GAA): c.3631 A>G in exon 28 of the CACNA1C gene (NM_000719.6). The Lys1211Glu variant in the CACNA1C gene has not been reported as a disease-causing mutation or as a benign polymorphism to our knowledge. Lys1211Glu results in a non-conservative amino acid substitution of positively charged Lysine with a negatively charged Glutamic acid at a position that is conserved across species. In silico analysis predicts Lys1211Glu is damaging to the protein structure/function. The Lys1211Glu variant was not observed in approximately 6,500 individuals of European and African American ancestry in the NHLBI Exome Sequencing Project, indicating it is not a common benign variant in these populations. Nevertheless, no mutations in nearby residues have been reported in association with LQTS or Timothy syndrome. With the clinical and molecular information available at this time, we cannot definitively determine if Lys1211Glu is a disease-causing mutation or a rare benign variant. The variant is found in LQT panel(s).

Literature cited by the submitters: PubMed 30067485 (cited by Ambry Genetics).

NM_000719.7(CACNA1C):c.3631A>G (p.Lys1211Glu)

Gene: CACNA1C (calcium voltage-gated channel subunit alpha1 C; plus strand). Cytogenetic location: 12p13.33.
Variant type: single nucleotide variant.
Coding change: c.3631A>G on transcript NM_000719.7 (MANE Select); coding-DNA position 3631, A replaced by G.
Protein change: p.Lys1211Glu; replaces lysine 1211 with glutamic acid.
Molecular consequence: missense variant.
Genome position (GRCh38, 1-based): chr12:2,610,613, A>G. VCF-style: chr12-2610613-A-G. GRCh37 (hg19) VCF-style: chr12-2719779-A-G.
Other names: p.K1211E:AAA>GAA; c.3691A>G, p.Lys1231Glu (NM_001129827.2, NM_001129832.2, NM_199460.4); c.3631A>G, p.Lys1211Glu (NM_001129829.2, NM_001129830.3, NM_001129831.2 and 15 more transcripts); c.3622A>G, p.Lys1208Glu (NM_001129844.2); short protein forms K1211E, K1231E, K1208E.
Identifiers: ClinVar variation 190661 (VCV000190661.5), dbSNP rs786205759, ClinGen allele CA301454.